The following is an entry in ClinVar:

ClinVar aggregate classification (germline): Pathogenic (1 of 4 stars; one submission).

Submission:

Labcorp Genetics (formerly Invitae), Labcorp
Classification: Pathogenic. Last evaluated: 2023-12-24. Review status: criteria provided, single submitter. Criteria: Invitae Variant Classification Sherloc (09022015). Collection method: clinical testing. Allele origin: germline.
Comment: This sequence change creates a premature translational stop signal (p.Gln66*) in the RUNX2 gene. It is expected to result in an absent or disrupted protein product. Loss-of-function variants in RUNX2 are known to be pathogenic (PMID: 10521292, 11857736). This variant is not present in population databases (gnomAD no frequency). This premature translational stop signal has been observed in individual(s) with cleidocranial dysplasia (PMID: 11857736, 35598271). For these reasons, this variant has been classified as Pathogenic.

Literature cited by the submitters: PubMed 10521292; PubMed 11857736; PubMed 35598271.

NM_001024630.4(RUNX2):c.196C>T (p.Gln66Ter)

Genes: RUNX2 (RUNX family transcription factor 2; plus strand), LOC109611589 (runt related transcription factor 2 polyalanine expansion region; plus strand). Cytogenetic location: 6p21.1.
Variant type: single nucleotide variant.
Coding change: c.196C>T on transcript NM_001024630.4 (MANE Select); coding-DNA position 196, C replaced by T.
Protein change: p.Gln66Ter; replaces glutamine 66 with a stop codon.
Molecular consequence: nonsense.
Genome position (GRCh38, 1-based): chr6:45,422,730, C>T. VCF-style: chr6-45422730-C-T. GRCh37 (hg19) VCF-style: chr6-45390467-C-T.
Other names: c.196C>T, p.Gln66Ter (NM_001015051.4); c.154C>T, p.Gln52Ter (NM_001278478.2, NM_001369405.1, NM_004348.3); short protein forms Q66*, Q52*.
Identifiers: ClinVar variation 2734874 (VCV002734874.3), dbSNP rs2548581855, ClinGen allele CA363957861.